The following is an entry in ClinVar:

ClinVar aggregate classification (germline): Conflicting classifications of pathogenicity. Review status: criteria provided, conflicting classifications (1 of 4 stars). 15 submissions from 15 submitters: Uncertain significance (1); Benign (9); Likely benign (2). 3 of the submissions do not count toward it. Last evaluated 2026-07-01.

Conditions:
Nonsyndromic cleft lip palate.
Retinal dystrophy. Also called: Inherited retinal dystrophy. Identifiers: Orphanet 71862, MedGen C0854723, MeSH D058499, MONDO:0019118, HP:0000556.
Refsum disease, classic. Also called: HEREDOPATHIA ATACTICA POLYNEURITIFORMIS; HMSN IV; PHYH-Related Refsum Disease; PHYTANIC ACID OXIDASE DEFICIENCY. Identifiers: Orphanet 773, MedGen C5780941, MONDO:1060256, OMIM 266500. Disease mechanism: loss of function.
Vitamin D-dependent rickets type II with alopecia (VDDR2A). Also called: Vitamin D-dependent rickets, type 2A; GENERALIZED RESISTANCE TO 1,25-DIHYDROXYVITAMIN D; HYPOCALCEMIC VITAMIN D-RESISTANT RICKETS; PDDR IIA; PSEUDOVITAMIN D-DEFICIENCY, TYPE IIA; RICKETS, HEREDITARY VITAMIN D-RESISTANT. Identifiers: Orphanet 93160, MedGen C0342646, MONDO:0010186, OMIM 277440.

Allele frequency attached by ClinVar (database versions not stated): TOPMed 0.00404; 1000 Genomes Project 30x 0.00453; ESP Exome Variant Server 0.00454; 1000 Genomes Project 0.00539; gnomAD 0.00687 and 0.00690; gnomAD exomes 0.00733 and 0.00761; ExAC 0.00784.
gnomAD v4.1: 11,728 of 1,613,820 alleles (0.73%); highest among the groups gnomAD compares: South Asian, 1.3%; 82 homozygotes.

Submissions (22):

CeGaT Center for Human Genetics Tuebingen
Classification: Likely benign. Last evaluated: 2026-07-01. Review status: criteria provided, single submitter. Criteria: CeGaT Center For Human Genetics Tuebingen Variant Classification Criteria Version 2. Collection method: clinical testing. Allele origin: germline. Affected: yes. Observed: 8 variant alleles.
Comment: PHYH: BP4

Labcorp Genetics (formerly Invitae), Labcorp
Classification: Benign. Last evaluated: 2026-02-01. Review status: criteria provided, single submitter. Criteria: Invitae Variant Classification Sherloc (09022015). Collection method: clinical testing. Allele origin: germline.

Laboratory of Genetics, Children's Clinical University Hospital Latvia
Classification: Benign. Last evaluated: 2025-02-16. Review status: criteria provided, single submitter. Criteria: ACMG Guidelines, 2015. Collection method: clinical testing. Allele origin: germline. Affected: yes.

Blueprint Genetics
Classification: Likely benign. Last evaluated: 2024-11-23. Review status: criteria provided, single submitter. Criteria: ACMG Guidelines, 2015. Collection method: clinical testing. Allele origin: germline.

Genomic Research Center, Shahid Beheshti University of Medical Sciences
Classification: Benign for Refsum disease, classic. Last evaluated: 2024-09-01. Review status: criteria provided, single submitter. Criteria: ACMG Guidelines, 2015. Collection method: clinical testing. Allele origin: inherited. Affected: yes. Observed: 1 variant allele.

Mayo Clinic Laboratories, Mayo Clinic
Classification: Benign. Last evaluated: 2023-06-16. Review status: criteria provided, single submitter. Criteria: ACMG Guidelines, 2015. Collection method: clinical testing. Allele origin: germline. Observed: 27 variant alleles.
Comment: BS1, BS2

Molecular Genetics, Royal Melbourne Hospital
Classification: Benign for Refsum disease, classic. Last evaluated: 2023-05-04. Review status: criteria provided, single submitter. Criteria: ACMG Guidelines, 2015. Collection method: clinical testing. Allele origin: germline. Affected: yes.
Comment: South Asian population allele frequency is 1.166% (rs62619919, 389/30616 alleles, 6 homozygotes in gnomAD v2.1). Based on the classification scheme RMH Modified ACMG/AMP Guidelines v1.2.1, this variant is classified as BENIGN. Following criteria are met: BA1

Institute of Human Genetics, Univ. Regensburg, Univ. Regensburg
Classification: Uncertain significance for Retinal dystrophy. Last evaluated: 2023-01-01. Review status: criteria provided, single submitter. Criteria: ACMG Guidelines, 2015. Collection method: clinical testing. Allele origin: germline. Affected: yes.

GeneDx
Classification: Benign. Last evaluated: 2020-08-06. Review status: criteria provided, single submitter. Criteria: GeneDx Variant Classification Process June 2021. Collection method: clinical testing. Allele origin: germline. Affected: yes.
Comment: This variant is associated with the following publications: (PMID: 14974078, 10767344, 27229527, 27535533)

Eurofins Ntd Llc (ga)
Classification: Benign. Last evaluated: 2014-11-08. Review status: criteria provided, single submitter. Criteria: EGL Classification Definitions 2015. Collection method: clinical testing. Allele origin: germline. Observed: 2 variant alleles, 2 heterozygotes.

Broad Center for Mendelian Genomics, Broad Institute of MIT and Harvard
Classification: Benign for Vitamin D-dependent rickets type II with alopecia. Review status: criteria provided, single submitter. Criteria: ACMG Guidelines, 2015. Collection method: research. Allele origin: germline. Inheritance: Autosomal recessive inheritance. Affected: yes.
Comment: The p.Arg245Gln variant in PHYH has been identified in cis with p.Asp177Gly and in 4 individuals with Refsum disease, including 2 homozygotes and 2 heterozygotes (PMID: 10767344), and has been identified in >2% of European (Finnish) chromosomes and 9 homozygotes by ExAC. In vitro functional studies provide some evidence that the p.Arg245Gln variant may not impact protein function (PMID: 10767344). However, these types of assays may not accurately represent biological function. In summary, this variant meets criteria to be classified as benign for autosomal recessive Refsum disease.

PreventionGenetics, part of Exact Sciences
Classification: Benign. Review status: criteria provided, single submitter. Criteria: ACMG Guidelines, 2015. Collection method: clinical testing. Allele origin: germline.

Counsyl
Classification: Likely benign for Refsum disease, classic. Last evaluated: 2017-03-06. Review status: no assertion criteria provided. Collection method: clinical testing. Allele origin: unknown. Not counted in ClinVar's aggregate classification.

Dr. Peter K. Rogan Lab, Western University
No classification provided (evidence only). Condition: Melanoma. Review status: no classification provided. Collection method: in vitro. Allele origin: not applicable. Functional consequence: retained intron. Not counted in ClinVar's aggregate classification.

Dr. Peter K. Rogan Lab, Western University
No classification provided (evidence only). Condition: Acute myeloid leukemia. Review status: no classification provided. Collection method: in vitro. Allele origin: not applicable. Functional consequence: retained intron. Not counted in ClinVar's aggregate classification.

Dr. Peter K. Rogan Lab, Western University
No classification provided (evidence only). Condition: Nonpapillary renal cell carcinoma. Review status: no classification provided. Collection method: in vitro. Allele origin: not applicable. Functional consequence: skipped exon. Not counted in ClinVar's aggregate classification.

Dr. Peter K. Rogan Lab, Western University
No classification provided (evidence only). Condition: Nonpapillary renal cell carcinoma. Review status: no classification provided. Collection method: in vitro. Allele origin: not applicable. Functional consequence: retained intron. Not counted in ClinVar's aggregate classification.

Dr. Peter K. Rogan Lab, Western University
No classification provided (evidence only). Condition: Gastric cancer. Review status: no classification provided. Collection method: in vitro. Allele origin: not applicable. Functional consequence: retained intron. Not counted in ClinVar's aggregate classification.

Dr. Peter K. Rogan Lab, Western University
No classification provided (evidence only). Condition: Adrenocortical carcinoma, hereditary. Review status: no classification provided. Collection method: in vitro. Allele origin: not applicable. Functional consequence: retained intron. Not counted in ClinVar's aggregate classification.

Dr. Peter K. Rogan Lab, Western University
No classification provided (evidence only). Condition: Adrenocortical carcinoma, hereditary. Review status: no classification provided. Collection method: in vitro. Allele origin: not applicable. Functional consequence: retained intron. Not counted in ClinVar's aggregate classification.

Illumina Laboratory Services, Illumina
Classification: Uncertain significance for Refsum disease, classic. Last evaluated: 2017-04-27. Review status: flagged submission. Criteria: ICSL Variant Classification Criteria 13 December 2019. Collection method: clinical testing. Allele origin: germline. Not counted in ClinVar's aggregate classification.
Comment: This variant was observed as part of a predisposition screen in an ostensibly healthy population. A literature search was performed for the gene, cDNA change, and amino acid change (where applicable). Publications were found based on this search. However, the evidence from the literature, in combination with allele frequency data from public databases where available, was not sufficient to rule this variant in or out of causing disease. Therefore, this variant is classified as a variant of unknown significance.
ClinVar note: Reason: Outlier claim with insufficient supporting evidence

University of Washington Center for Mendelian Genomics, University of Washington
Classification: Likely pathogenic for Nonsyndromic cleft lip palate. Last evaluated: 2016-03-27. Review status: flagged submission. Collection method: research. Allele origin: inherited. Affected: yes. Observed: 3 heterozygotes. Not counted in ClinVar's aggregate classification.
ClinVar note: Reason: Outlier claim with insufficient supporting evidence

Literature cited by the submitters: PubMed 10767344 (cited by 5 submitters); PubMed 14974078 (cited by Mayo Clinic Laboratories, Mayo Clinic and Counsyl); PubMed 17956235 (cited by Mayo Clinic Laboratories, Mayo Clinic); PubMed 27229527 (cited by Institute of Human Genetics, Univ. Regensburg, Univ. Regensburg and University of Washington Center for Mendelian Genomics, University of Washington); PubMed 27535533 (cited by Institute of Human Genetics, Univ. Regensburg, Univ. Regensburg); PubMed 34426522 (cited by Institute of Human Genetics, Univ. Regensburg, Univ. Regensburg); PubMed 16186124 (cited by Counsyl).

NM_006214.4(PHYH):c.734G>A (p.Arg245Gln)

Gene: PHYH (phytanoyl-CoA 2-hydroxylase; minus strand). Cytogenetic location: 10p13.
Variant type: single nucleotide variant.
Coding change: c.734G>A on transcript NM_006214.4 (MANE Select); coding-DNA position 734, G replaced by A.
Protein change: p.Arg245Gln; replaces arginine 245 with glutamine.
Molecular consequence: missense variant.
Genome position (GRCh38, 1-based): chr10:13,283,784, C>T on the plus strand (G>A on the coding strand, the complement: PHYH is on the minus strand). VCF-style: chr10-13283784-C-T. GRCh37 (hg19) VCF-style: chr10-13325784-C-T.
Other names: c.434G>A, p.Arg145Gln (NM_001037537.2, NM_001323080.2); c.740G>A, p.Arg247Gln (NM_001323082.2); c.470G>A, p.Arg157Gln (NM_001323083.2); c.440G>A, p.Arg147Gln (NM_001323084.2); short protein forms R245Q, R145Q, R247Q, R147Q, R157Q.
Identifiers: ClinVar variation 198539 (VCV000198539.55), dbSNP rs62619919, ClinGen allele CA203488.